The following is an entry in ClinVar:

ClinVar aggregate classification (germline): Conflicting classifications of pathogenicity. Review status: criteria provided, conflicting classifications (1 of 4 stars). 4 submissions from 4 submitters: Uncertain significance (3); Likely benign (1). Last evaluated 2026-06-23.

Conditions:
Seizures, benign familial infantile, 3 (BFIS3). Also called: CONVULSIONS, BENIGN FAMILIAL INFANTILE, 3; Familial neonatal seizures. Identifiers: Orphanet 140927, Orphanet 306, MedGen C1843140, MONDO:0011904, OMIM 607745.
Inborn genetic diseases. Identifiers: MedGen C0950123, MeSH D030342.
Developmental and epileptic encephalopathy, 11 (DEE11). Also called: Early infantile epileptic encephalopathy 11. Identifiers: Orphanet 1934, MedGen C3150987, MONDO:0013388, OMIM 613721.

Allele frequency attached by ClinVar (database versions not stated): TOPMed 0.00002.
gnomAD v4.1: 9 of 1,613,756 alleles (0.00056%); highest among the groups gnomAD compares: Non-Finnish European, 0.00068%; no homozygotes.

Submissions (4):

GeneDx
Classification: Uncertain significance. Last evaluated: 2026-06-23. Review status: criteria provided, single submitter. Criteria: GeneDx Variant Classification Process June 2021. Collection method: clinical testing. Allele origin: germline.
Comment: In silico analysis supports that this missense variant has a deleterious effect on protein structure/function; This substitution is predicted to be in the cytoplasmic loop between the first and second homologous domains; Has not been previously published as pathogenic or benign to our knowledge

Labcorp Genetics (formerly Invitae), Labcorp
Classification: Likely benign for Seizures, benign familial infantile, 3; Developmental and epileptic encephalopathy, 11. Last evaluated: 2025-12-26. Review status: criteria provided, single submitter. Criteria: Invitae Variant Classification Sherloc (09022015). Collection method: clinical testing. Allele origin: germline.

Ambry Genetics
Classification: Uncertain significance for Inborn genetic diseases. Last evaluated: 2021-04-15. Review status: criteria provided, single submitter. Criteria: Ambry Variant Classification Scheme 2023. Collection method: clinical testing. Allele origin: germline.

Illumina Laboratory Services, Illumina
Classification: Uncertain significance for Seizures, benign familial infantile, 3. Last evaluated: 2018-01-13. Review status: criteria provided, single submitter. Criteria: ICSL Variant Classification Criteria 13 December 2019. Collection method: clinical testing. Allele origin: germline.

NM_001040142.2(SCN2A):c.1976G>T (p.Gly659Val)

Gene: SCN2A (sodium voltage-gated channel alpha subunit 2; plus strand). Cytogenetic location: 2q24.3.
Variant type: single nucleotide variant.
Coding change: c.1976G>T on transcript NM_001040142.2 (MANE Select); coding-DNA position 1976, G replaced by T.
Protein change: p.Gly659Val; replaces glycine 659 with valine.
Molecular consequence: missense variant.
Genome position (GRCh38, 1-based): chr2:165,323,460, G>T. VCF-style: chr2-165323460-G-T. GRCh37 (hg19) VCF-style: chr2-166179970-G-T.
Other names: c.1976G>T, p.Gly659Val (NM_001040143.2, NM_001371246.1, NM_001371247.1 and 1 more transcripts); short protein forms G659V.
Identifiers: ClinVar variation 657970 (VCV000657970.18), dbSNP rs368887417, ClinGen allele CA1939896.